The following is an entry in ClinVar:

NM_001370.2(DNAH6):c.6356A>G (p.Tyr2119Cys)

Gene: DNAH6 (dynein axonemal heavy chain 6; plus strand). Cytogenetic location: 2p11.2.
Variant type: single nucleotide variant.
Coding change: c.6356A>G on transcript NM_001370.2 (MANE Select); coding-DNA position 6356, A replaced by G.
Protein change: p.Tyr2119Cys; replaces tyrosine 2119 with cysteine.
Molecular consequence: missense variant.
Genome position (GRCh38, 1-based): chr2:84,670,377, A>G. VCF-style: chr2-84670377-A-G. GRCh37 (hg19) VCF-style: chr2-84897501-A-G.
Other names: short protein forms Y2119C.
Identifiers: ClinVar variation 402739 (VCV000402739.7), dbSNP rs17025409, ClinGen allele CA1737301.

ClinVar aggregate classification (germline): Benign. Review status: criteria provided, multiple submitters, no conflicts (2 of 4 stars). 3 submissions from 3 submitters: Benign (3). Last evaluated 2019-01-09.

Allele frequency attached by ClinVar (database versions not stated): ESP Exome Variant Server 0.01929; gnomAD 0.01997 and 0.02153; TOPMed 0.02181; 1000 Genomes Project 0.02356; 1000 Genomes Project 30x 0.02374; gnomAD exomes 0.02687; ExAC 0.03767.
gnomAD v4.1: 37,200 of 1,543,308 alleles (2.4%); highest among the groups gnomAD compares: Middle Eastern, 7.1%; 633 homozygotes.

Submissions (3):

GeneDx
Classification: Benign. Last evaluated: 2019-01-09. Review status: criteria provided, single submitter. Criteria: GeneDx Variant Classification Process June 2021. Collection method: clinical testing. Allele origin: germline. Affected: yes.
Comment: This variant is associated with the following publications: (PMID: 29767709)

Laboratory for Molecular Medicine, Mass General Brigham Personalized Medicine
Classification: Benign. Last evaluated: 2016-03-28. Review status: criteria provided, single submitter. Criteria: LMM Criteria. Collection method: clinical testing. Allele origin: germline.
Comment: Variant identified in a genome or exome case(s) and assessed due to predicted null impact of the variant or pathogenic assertions in the literature or databases. Disclaimer: This variant has not undergone full assessment. The following are preliminary notes: Frequency

Breakthrough Genomics
Classification: Benign. Review status: criteria provided, single submitter. Criteria: ACMG Guidelines, 2015. Collection method: not provided. Allele origin: germline. Inheritance: Unknown mechanism. Affected: yes.